The following is an entry in ClinVar:

NM_000285.4(PEPD):c.1098C>T (p.His366=)

Gene: PEPD (peptidase D; minus strand). Cytogenetic location: 19q13.11.
Variant type: single nucleotide variant.
Coding change: c.1098C>T on transcript NM_000285.4 (MANE Select); coding-DNA position 1098, C replaced by T.
Protein change: p.His366=; no amino-acid change (histidine 366 retained).
Molecular consequence: synonymous variant.
Genome position (GRCh38, 1-based): chr19:33,391,349, G>A on the plus strand (C>T on the coding strand, the complement: PEPD is on the minus strand). VCF-style: chr19-33391349-G-A. GRCh37 (hg19) VCF-style: chr19-33882255-G-A.
Other names: c.975C>T, p.His325= (NM_001166056.2); c.906C>T, p.His302= (NM_001166057.2).
Identifiers: ClinVar variation 328800 (VCV000328800.43), dbSNP rs149579451, ClinGen allele CA9364010.

ClinVar aggregate classification (germline): Benign/Likely benign. Review status: criteria provided, multiple submitters, no conflicts (2 of 4 stars). 8 submissions from 8 submitters: Benign (1); Likely benign (4). 3 of the submissions do not count toward it. Last evaluated 2026-02-01.

Conditions:
PEPD-related disorder. Also called: PEPD-related condition.
Prolidase deficiency. Identifiers: Orphanet 742, MedGen C0268532, MONDO:0008221, OMIM 170100.

Allele frequency attached by ClinVar (database versions not stated): 1000 Genomes Project 0.00220; gnomAD exomes 0.00221 and 0.00319; gnomAD 0.00227 and 0.00228; 1000 Genomes Project 30x 0.00234; ESP Exome Variant Server 0.00244; TOPMed 0.00272; ExAC 0.00278.
gnomAD v4.1: 4,973 of 1,611,132 alleles (0.31%); highest among the groups gnomAD compares: Non-Finnish European, 0.37%; 15 homozygotes.

Submissions (8):

Labcorp Genetics (formerly Invitae), Labcorp
Classification: Benign. Last evaluated: 2026-02-01. Review status: criteria provided, single submitter. Criteria: Invitae Variant Classification Sherloc (09022015). Collection method: clinical testing. Allele origin: germline.

CeGaT Center for Human Genetics Tuebingen
Classification: Likely benign. Last evaluated: 2025-06-01. Review status: criteria provided, single submitter. Criteria: CeGaT Center For Human Genetics Tuebingen Variant Classification Criteria Version 2. Collection method: clinical testing. Allele origin: germline. Affected: yes. Observed: 5 variant alleles.
Comment: PEPD: BP4, BP7, BS2

Blueprint Genetics
Classification: Likely benign. Last evaluated: 2024-11-26. Review status: criteria provided, single submitter. Criteria: ACMG Guidelines, 2015. Collection method: clinical testing. Allele origin: germline.

Illumina Laboratory Services, Illumina
Classification: Likely benign for Prolidase deficiency. Last evaluated: 2018-01-12. Review status: criteria provided, single submitter. Criteria: ICSL Variant Classification Criteria 13 December 2019. Collection method: clinical testing. Allele origin: germline.
Comment: This variant was observed in the ICSL laboratory as part of a predisposition screen in an ostensibly healthy population. It had not been previously curated by ICSL or reported in the Human Gene Mutation Database (HGMD: prior to June 1st, 2018), and was therefore a candidate for classification through an automated scoring system. Utilizing variant allele frequency, disease prevalence and penetrance estimates, and inheritance mode, an automated score was calculated to assess if this variant is too frequent to cause the disease. Based on the score and internal cut-off values, a variant classified as likely benign is not then subjected to further curation. The score for this variant resulted in a classification of likely benign for this disease.

Breakthrough Genomics
Classification: Likely benign. Review status: criteria provided, single submitter. Criteria: ACMG Guidelines, 2015. Collection method: not provided. Allele origin: germline. Inheritance: Autosomal recessive inheritance. Affected: yes.

PreventionGenetics, part of Exact Sciences
Classification: Likely benign for PEPD-related condition. Last evaluated: 2019-07-26. Review status: no assertion criteria provided. Collection method: clinical testing. Allele origin: germline. Not counted in ClinVar's aggregate classification.
Comment: This variant is classified as likely benign based on ACMG/AMP sequence variant interpretation guidelines (Richards et al. 2015 PMID: 25741868, with internal and published modifications).

Clinical Genetics DNA and cytogenetics Diagnostics Lab, Erasmus MC, Erasmus Medical Center
Classification: Likely benign. Review status: no assertion criteria provided. Collection method: clinical testing. Allele origin: germline. Affected: yes. Study: VKGL Data-share Consensus. Not counted in ClinVar's aggregate classification.

Genome Diagnostics Laboratory, University Medical Center Utrecht
Classification: Likely benign. Review status: no assertion criteria provided. Collection method: clinical testing. Allele origin: germline. Affected: yes. Study: VKGL Data-share Consensus. Not counted in ClinVar's aggregate classification.